The following is an entry in ClinVar:

ClinVar aggregate classification (germline): Benign. Review status: criteria provided, single submitter (1 of 4 stars). 2 submissions from 2 submitters: Benign (1). 1 of the submissions does not count toward it. Last evaluated 2026-01-27.

Conditions:
BPTF-related disorder. Also called: BPTF-related condition.

Allele frequency attached by ClinVar (database versions not stated): gnomAD 0.03704; 1000 Genomes Project 0.03814; 1000 Genomes Project 30x 0.04279; ExAC 0.01152; ESP Exome Variant Server 0.04083; TOPMed 0.04129.
gnomAD v4.1: 10,931 of 1,612,342 alleles (0.68%); highest among the groups gnomAD compares: African/African-American, 13%; 675 homozygotes.

Submissions (2):

Labcorp Genetics (formerly Invitae), Labcorp
Classification: Benign. Last evaluated: 2026-01-27. Review status: criteria provided, single submitter. Criteria: Invitae Variant Classification Sherloc (09022015). Collection method: clinical testing. Allele origin: germline.

PreventionGenetics, part of Exact Sciences
Classification: Benign for BPTF-related condition. Last evaluated: 2019-05-06. Review status: no assertion criteria provided. Collection method: clinical testing. Allele origin: germline. Not counted in ClinVar's aggregate classification.
Comment: This variant is classified as benign based on ACMG/AMP sequence variant interpretation guidelines (Richards et al. 2015 PMID: 25741868, with internal and published modifications).

NM_182641.4(BPTF):c.480C>G (p.Asp160Glu)

Genes: BPTF (bromodomain PHD finger transcription factor; plus strand), LOC130061496 (ATAC-STARR-seq lymphoblastoid active region 12632; plus strand). Cytogenetic location: 17q24.2.
Variant type: single nucleotide variant.
Coding change: c.480C>G on transcript NM_182641.4 (MANE Select); coding-DNA position 480, C replaced by G.
Protein change: p.Asp160Glu; replaces aspartic acid 160 with glutamic acid.
Molecular consequence: missense variant.
Genome position (GRCh38, 1-based): chr17:67,826,204, C>G. VCF-style: chr17-67826204-C-G. GRCh37 (hg19) VCF-style: chr17-65822320-C-G.
Other names: c.480C>G, p.Asp160Glu (NM_004459.7); c.480C>G (NM_182641.3); short protein forms D160E.
Identifiers: ClinVar variation 1970967 (VCV001970967.7), dbSNP rs73351760, ClinGen allele CA8724989.